The following is an entry in ClinVar:

ClinVar aggregate classification (germline): Pathogenic. Review status: criteria provided, multiple submitters, no conflicts (2 of 4 stars). 24 submissions from 24 submitters: Pathogenic (22). 2 of the submissions do not count toward it. Last evaluated 2026-08-06.

Conditions:
Primary hyperoxaluria type 3. Also called: PH III. Identifiers: Orphanet 416, Orphanet 93600, MedGen C3150878, MONDO:0013327, OMIM 613616. Disease mechanism: loss of function.
HOGA1-related disorders.
HOGA1-related disorder. Also called: HOGA1-related condition.

Allele frequency attached by ClinVar (database versions not stated): 1000 Genomes Project 0.00060; 1000 Genomes Project 30x 0.00078; ExAC 0.00111; gnomAD exomes 0.00124 and 0.00237; gnomAD 0.00150 and 0.00156; TOPMed 0.00159; ESP Exome Variant Server 0.00215.
gnomAD v4.1: 3,650 of 1,611,160 alleles (0.23%); highest among the groups gnomAD compares: Non-Finnish European, 0.29%; 4 homozygotes.

Submissions 1 to 13 of 31:

OLLIN Analises Genomicas, OLLIN
Classification: Pathogenic for Primary hyperoxaluria type 3. Last evaluated: 2026-08-06. Review status: criteria provided, single submitter. Criteria: ACMG Guidelines 2015 PMID 25741868. Collection method: clinical testing. Allele origin: germline. Inheritance: Autosomal recessive inheritance.
Comment: This variant, has been reported in ClinVar (accession VCV000204285.60) and in gnomAD with an allele frequency of 0.23%. However, to our knowledge, it has not been reported in the scientific literature. Another pathogenic variant has been reported to result in the same amino acid substitution. According to the currently available evidence, this variant has been classified as pathogenic (PS1_M, PM3_VS, PP3).

Dasa
Classification: Pathogenic. Last evaluated: 2026-03-24. Review status: criteria provided, single submitter. Criteria: DASA Assertion Criteria. Collection method: clinical testing. Allele origin: germline.
Comment: NM_138413.4(HOGA1):c.700+5G>T is a splice-region variant predicted to affect normal RNA splicing. Functional evidence supports a deleterious effect on the gene or gene product (PMID: 21896830; PMID: 22781098; PMID: 22391140; PMID: 24563386; PMID: 25644115). This variant has been recurrently observed in individuals with related phenotype (PMID: 21896830; PMID: 22781098; PMID: 22391140; PMID: 24563386; PMID: 25644115). The variant is present at low frequency in population datasets. Based on the available data, this variant is classified as pathogenic.

PreventionGenetics, part of Exact Sciences
Classification: Pathogenic for HOGA1-related condition. Last evaluated: 2026-02-25. Review status: criteria provided, single submitter. Criteria: ACMG Guidelines, 2015. Collection method: clinical testing. Allele origin: germline.
Comment: The HOGA1 c.700+5G>T variant is predicted to interfere with splicing. This variant has been reported in the compound heterozygous and homozygous states in several individuals with primary hyperoxaluria (see for example: reported as c.701+4G>T in Belostotsky et al. 2010. PubMed ID: 20797690; Monico et al. 2011. PubMed ID: 21896830; Pitt et al. 2014. PubMed ID: 24563386). This variant is one of the most commonly reported variants in individuals, primarily of European descent, with primary hyperoxaluria (Liu et al. 2023. PMID: 37306718). RNA studies and splicing assays consistently demonstrate that is variant results in an insertion of 51 nucleotides of intron five leading to an in-frame insertion of 17 amino acids to the native protein (Monico et al. 2011. PubMed ID: 21896830; Beck et al. 2012. PubMed ID: 22781098). This variant is reported in 0.20% of alleles in individuals of European (non-Finnish) descent in gnomAD, including one homozygote, and is suggested to be a potential founder variant (Beck et al. 2012. PubMed ID: 22781098). This variant has been consistently interpreted as pathogenic by several submitters in the ClinVar database. This variant is interpreted as pathogenic.

Labcorp Genetics (formerly Invitae), Labcorp
Classification: Pathogenic. Last evaluated: 2026-01-27. Review status: criteria provided, single submitter. Criteria: Invitae Variant Classification Sherloc (09022015). Collection method: clinical testing. Allele origin: germline.
Comment: This sequence change falls in intron 5 of the HOGA1 gene. It does not directly change the encoded amino acid sequence of the HOGA1 protein. RNA analysis indicates that this variant induces altered splicing and likely results in the gain of 17 amino acid residue(s), but is expected to preserve the integrity of the reading-frame. This variant is present in population databases (rs185803104, gnomAD 0.2%), and has an allele count higher than expected for a pathogenic variant. This variant has been observed in individual(s) with HOGA1-related primary hyperoxaluria type 3 (PMID: 22391140, 22781098, 24563386, 25644115). In at least one individual the data is consistent with being in trans (on the opposite chromosome) from a pathogenic variant. ClinVar contains an entry for this variant (Variation ID: 204285). Variants that disrupt the consensus splice site are a relatively common cause of aberrant splicing (PMID: 17576681, 9536098). Studies have shown that this variant results in the activation of a cryptic splice site in intron 5 (PMID: 21896830). For these reasons, this variant has been classified as Pathogenic.

Rare Kidney Stone Consortium and the Mayo Clinic Hyperoxaluria Center, Mayo Clinic
Classification: Pathogenic for Primary hyperoxaluria type 3. Last evaluated: 2025-10-03. Review status: criteria provided, single submitter. Criteria: ACMG Guidelines, 2015. Collection method: research. Allele origin: germline. Affected: yes. Observed: 8 variant alleles.
Comment: ACMG:PM2, PM3, PP3, PP5

Natera, Inc.
Classification: Pathogenic for Primary hyperoxaluria type III. Last evaluated: 2025-10-02. Review status: criteria provided, single submitter. Criteria: Natera Variant Classification Schema (03/2026). Collection method: clinical testing. Allele origin: germline.
Comment: The c.700+5G>T variant in HOGA1 is an intronic variant located outside the canonical splice sites. This variant has been observed in one or more individuals affected with the associated recessive disease, as either homozygous or compound heterozygous with a second variant (PMID: 25972204). Functional studies show that this variant may disrupt protein function (PMID: 22781098). Given the available evidence, this variant is classified as Pathogenic.

Mayo Clinic Laboratories, Mayo Clinic
Classification: Pathogenic. Last evaluated: 2025-08-15. Review status: criteria provided, single submitter. Criteria: ACMG Guidelines, 2015. Collection method: clinical testing. Allele origin: germline. Observed: 5 variant alleles.
Comment: PM3, PS3, PS4, PVS1

Clinical Genomics Laboratory, Washington University in St. Louis
Classification: Pathogenic for Primary hyperoxaluria type 3. Last evaluated: 2025-07-03. Review status: criteria provided, single submitter. Criteria: ACMG Guidelines, 2015. Collection method: clinical testing. Allele origin: germline. Affected: yes.
Comment: The HOGA1 c.700+5G>T variant is described as the most common pathogenic variant in the HOGA1 gene (Hopp K et al., PMID: 25644115) with many individuals affected with PH3 reported with the variant in the homozygous state or the compound heterozygous state with distinct variants found in trans (Beck BB et al., PMID: 22781098; Belostotsky R et al., PMID: 20797690; Williams EL et al., PMID: 22391140). This variant has been reported in the ClinVar database as a germline pathogenic variant by 14 submitters. The highest population minor allele frequency in the population database genome aggregation database (v.4.1.0) is 0.28% in the European (non-Finnish) population which is consistent with the carrier status of PH3 (Hopp K et al., PMID: 25644115). Computational predictors indicate that this variant would alter splicing, evidence that correlates to an impact of this variant on HOGA1 function. In support of this prediction, RNA from a patient who was homozygous for the c.700+5G>T variant demonstrated an in-frame insertion of 51 nucleotides/17 amino acids which was confirmed through a minigene splicing assay (Beck BB et al., PMID: 22781098; Williams EL et al., PMID: 22391140). Based on available information and the ACMG/AMP guidelines for variant interpretation (Richards S et al., PMID: 25741868), this variant is classified as pathogenic.

First Genomix Gene Laboratory, Genetic Diagnostics Department
Classification: Pathogenic for Primary hyperoxaluria type 3. Last evaluated: 2025-06-11. Review status: criteria provided, single submitter. Criteria: ACMG Guidelines, 2015. Collection method: clinical testing. Allele origin: germline. Inheritance: Autosomal recessive inheritance. Affected: no.

Laboratorio de Genetica e Diagnostico Molecular, Hospital Israelita Albert Einstein
Classification: Pathogenic for Primary hyperoxaluria type 3. Last evaluated: 2025-05-21. Review status: criteria provided, single submitter. Criteria: ACMG Guidelines, 2015. Collection method: clinical testing. Allele origin: germline. Affected: yes.
Comment: ACMG classification criteria: PS3 supporting, PM3 very strong, PP3 supporting

CeGaT Center for Human Genetics Tuebingen
Classification: Pathogenic. Last evaluated: 2025-02-01. Review status: criteria provided, single submitter. Criteria: CeGaT Center For Human Genetics Tuebingen Variant Classification Criteria Version 2. Collection method: clinical testing. Allele origin: germline. Affected: yes. Observed: 1 variant allele.
Comment: HOGA1: PM3:Very Strong, PM4, PM2:Supporting

Blueprint Genetics
Classification: Pathogenic for HOGA1-related disorders. Last evaluated: 2024-10-25. Review status: criteria provided, single submitter. Criteria: ACMG Guidelines, 2015. Collection method: clinical testing. Allele origin: germline. Affected: yes. Observed: 5 variant alleles.

Revvity Omics, Revvity
Classification: Pathogenic. Last evaluated: 2023-11-17. Review status: criteria provided, single submitter. Criteria: ACMG Guidelines, 2015. Collection method: clinical testing. Allele origin: germline.

NM_138413.4(HOGA1):c.700+5G>T

Gene: HOGA1 (4-hydroxy-2-oxoglutarate aldolase 1; plus strand). Cytogenetic location: 10q24.2.
Variant type: single nucleotide variant.
Coding change: c.700+5G>T on transcript NM_138413.4 (MANE Select); 5 bases into the intron after coding-DNA position 700, G replaced by T.
Molecular consequence: intron variant.
Genome position (GRCh38, 1-based): chr10:97,600,168, G>T. VCF-style: chr10-97600168-G-T. GRCh37 (hg19) VCF-style: chr10-99359925-G-T.
Other names: missplicing; c.212-1689G>T (NM_001134670.2).
Identifiers: ClinVar variation 204285 (VCV000204285.63), dbSNP rs185803104, ClinGen allele CA346911.